The following is an entry in ClinVar:

NM_001080414.4(CCDC88C):c.5954C>G (p.Ser1985Cys)

Gene: CCDC88C (coiled-coil and HOOK domain protein 88C; minus strand). Cytogenetic location: 14q32.11.
Variant type: single nucleotide variant.
Coding change: c.5954C>G on transcript NM_001080414.4 (MANE Select); coding-DNA position 5954, C replaced by G.
Protein change: p.Ser1985Cys; replaces serine 1985 with cysteine.
Molecular consequence: missense variant.
Genome position (GRCh38, 1-based): chr14:91,272,758, G>C on the plus strand (C>G on the coding strand, the complement: CCDC88C is on the minus strand). VCF-style: chr14-91272758-G-C. GRCh37 (hg19) VCF-style: chr14-91739102-G-C.
Other names: short protein forms S1985C.
Identifiers: ClinVar variation 158117 (VCV000158117.16), dbSNP rs3814839, ClinGen allele CA171542.

ClinVar aggregate classification (germline): Benign. Review status: criteria provided, multiple submitters, no conflicts (2 of 4 stars). 3 submissions from 3 submitters: Benign (2). 1 of the submissions does not count toward it. Last evaluated 2026-01-24.

Conditions:
CCDC88C-related disorder. Also called: CCDC88C-Related Disorders; CCDC88C-related condition.

Allele frequency attached by ClinVar (database versions not stated): ESP Exome Variant Server 0.00008; TOPMed 0.00069; 1000 Genomes Project 0.00280; 1000 Genomes Project 30x 0.00281.
gnomAD v4.1: 1,215 of 1,608,722 alleles (0.076%); highest among the groups gnomAD compares: East Asian, 2.5%; 22 homozygotes.

Submissions (3):

Labcorp Genetics (formerly Invitae), Labcorp
Classification: Benign. Last evaluated: 2026-01-24. Review status: criteria provided, single submitter. Criteria: Invitae Variant Classification Sherloc (09022015). Collection method: clinical testing. Allele origin: germline.

Genetic Services Laboratory, University of Chicago
Classification: Benign. Last evaluated: 2013-04-08. Review status: criteria provided, single submitter. Criteria: ACMG Guidelines, 2007. Collection method: clinical testing. Allele origin: germline. Inheritance: Autosomal recessive inheritance.

PreventionGenetics, part of Exact Sciences
Classification: Benign for CCDC88C-related condition. Last evaluated: 2024-03-24. Review status: no assertion criteria provided. Collection method: clinical testing. Allele origin: germline. Not counted in ClinVar's aggregate classification.
Comment: This variant is classified as benign based on ACMG/AMP sequence variant interpretation guidelines (Richards et al. 2015 PMID: 25741868, with internal and published modifications).